The following is an entry in ClinVar:

NM_022041.4(GAN):c.973+4C>G

Gene: GAN (gigaxonin; plus strand). Cytogenetic location: 16q23.2.
Variant type: single nucleotide variant.
Coding change: c.973+4C>G on transcript NM_022041.4 (MANE Select); 4 bases into the intron after coding-DNA position 973, C replaced by G.
Molecular consequence: intron variant.
Genome position (GRCh38, 1-based): chr16:81,357,935, C>G. VCF-style: chr16-81357935-C-G. GRCh37 (hg19) VCF-style: chr16-81391540-C-G.
Other names: c.334+4C>G (NM_001377486.1).
Identifiers: ClinVar variation 660269 (VCV000660269.7), dbSNP rs189406050, ClinGen allele CA8191548.
Genomic context (GRCh38, chr16:81,357,935, plus strand): 5'-GGATCGAACTGGCCCCTTTAAGCATGCCGAGAATTAACCATGGAGTTCTCTCAGCAGGTA[C>G]CGTTCTGTGGCAAATTTTCCTTAAACAGCAGATCAAGTAATGTGTAATCTCAAGGTTTTA-3'

ClinVar aggregate classification (germline): Uncertain significance (1 of 4 stars; one submission).

Conditions:
Giant axonal neuropathy 1 (GAN1). Also called: GIANT AXONAL NEUROPATHY 1, AUTOSOMAL RECESSIVE; GAN-Related Neurodegeneration. Identifiers: Orphanet 643, MedGen C1850386, MONDO:0009749, OMIM 256850.

gnomAD v4.1: 11 of 1,613,336 alleles (0.00068%); highest among the groups gnomAD compares: Admixed American, 0.005%; no homozygotes.

Submission:

Labcorp Genetics (formerly Invitae), Labcorp
Classification: Uncertain significance for Giant axonal neuropathy 1. Last evaluated: 2025-12-21. Review status: criteria provided, single submitter. Criteria: Invitae Variant Classification Sherloc (09022015). Collection method: clinical testing. Allele origin: germline.
Comment: This sequence change falls in intron 5 of the GAN gene. It does not directly change the encoded amino acid sequence of the GAN protein. It affects a nucleotide within the consensus splice site. This variant is present in population databases (rs189406050, gnomAD 0.003%). This variant has not been reported in the literature in individuals affected with GAN-related conditions. ClinVar contains an entry for this variant (Variation ID: 660269). Variants that disrupt the consensus splice site are a relatively common cause of aberrant splicing (PMID: 17576681, 9536098). Algorithms developed to predict the effect of sequence changes on RNA splicing suggest that this variant is not likely to affect RNA splicing. In summary, the available evidence is currently insufficient to determine the role of this variant in disease. Therefore, it has been classified as a Variant of Uncertain Significance.

Literature cited by the submitters: PubMed 17576681; PubMed 9536098.